The following is an entry in ClinVar:

NM_020921.4(NIN):c.4261G>A (p.Glu1421Lys)

Gene: NIN (ninein; minus strand). Cytogenetic location: 14q22.1.
Variant type: single nucleotide variant.
Coding change: c.4261G>A on transcript NM_020921.4 (MANE Select); coding-DNA position 4261, G replaced by A.
Protein change: p.Glu1421Lys; replaces glutamic acid 1421 with lysine.
Molecular consequence: missense variant. On other transcripts: intron variant (1).
Genome position (GRCh38, 1-based): chr14:50,756,769, C>T on the plus strand (G>A on the coding strand, the complement: NIN is on the minus strand). VCF-style: chr14-50756769-C-T. GRCh37 (hg19) VCF-style: chr14-51223487-C-T.
Other names: c.4261G>A, p.Glu1421Lys (NM_182944.3, NM_182946.2); c.2400-1902G>A (NM_016350.5); short protein forms E1421K.
Identifiers: ClinVar variation 2992576 (VCV002992576.3), dbSNP rs918682184, ClinGen allele CA260827901.

ClinVar aggregate classification (germline): Uncertain significance (1 of 4 stars; one submission).

Allele frequency attached by ClinVar (database versions not stated): TOPMed 0.00002; gnomAD 0.00001; gnomAD exomes 0.00001.
gnomAD v4.1: 22 of 1,551,334 alleles (0.0014%); highest among the groups gnomAD compares: Non-Finnish European, 0.0017%; no homozygotes.

Submission:

Labcorp Genetics (formerly Invitae), Labcorp
Classification: Uncertain significance. Last evaluated: 2025-04-22. Review status: criteria provided, single submitter. Criteria: Invitae Variant Classification Sherloc (09022015). Collection method: clinical testing. Allele origin: germline.
Comment: This sequence change replaces glutamic acid, which is acidic and polar, with lysine, which is basic and polar, at codon 1421 of the NIN protein (p.Glu1421Lys). The frequency data for this variant in the population databases is considered unreliable, as metrics indicate poor data quality at this position in the gnomAD database. This variant has not been reported in the literature in individuals affected with NIN-related conditions. ClinVar contains an entry for this variant (Variation ID: 2992576). An algorithm developed to predict the effect of missense changes on protein structure and function (PolyPhen-2) suggests that this variant is likely to be tolerated. In summary, the available evidence is currently insufficient to determine the role of this variant in disease. Therefore, it has been classified as a Variant of Uncertain Significance.